The following is an entry in ClinVar:

ClinVar aggregate classification (germline): Pathogenic (1 of 4 stars; one submission).

Submission:

Labcorp Genetics (formerly Invitae), Labcorp
Classification: Pathogenic. Last evaluated: 2024-05-22. Review status: criteria provided, single submitter. Criteria: Invitae Variant Classification Sherloc (09022015). Collection method: clinical testing. Allele origin: germline.
Comment: This sequence change creates a premature translational stop signal (p.Cys313*) in the LZTR1 gene. It is expected to result in an absent or disrupted protein product. Loss-of-function variants in LZTR1 are known to be pathogenic (PMID: 24362817, 25335493, 25480913, 25795793, 29469822, 30368668, 30442762, 30442766, 30481304, 30859559). This variant is not present in population databases (gnomAD no frequency). This variant has not been reported in the literature in individuals affected with LZTR1-related conditions. For these reasons, this variant has been classified as Pathogenic.

Literature cited by the submitters: PubMed 24362817; PubMed 25335493; PubMed 25480913; PubMed 25795793; PubMed 29469822; PubMed 30368668; PubMed 30442762; PubMed 30442766; PubMed 30481304; PubMed 30859559.

NM_006767.4(LZTR1):c.939C>A (p.Cys313Ter)

Gene: LZTR1 (leucine zipper like post translational regulator 1; plus strand). Cytogenetic location: 22q11.21.
Variant type: single nucleotide variant.
Coding change: c.939C>A on transcript NM_006767.4 (MANE Select); coding-DNA position 939, C replaced by A.
Protein change: p.Cys313Ter; replaces cysteine 313 with a stop codon.
Molecular consequence: nonsense.
Genome position (GRCh38, 1-based): chr22:20,991,775, C>A. VCF-style: chr22-20991775-C-A. GRCh37 (hg19) VCF-style: chr22-21346064-C-A.
Other names: short protein forms C313*.
Identifiers: ClinVar variation 3603641 (VCV003603641.2).